The following is an entry in ClinVar:

ClinVar aggregate classification (germline): Benign (1 of 4 stars; one submission).

Conditions:
Exudative vitreoretinopathy 1 (EVR1). Also called: CRISWICK-SCHEPENS SYNDROME; FEVR, AUTOSOMAL DOMINANT; Familial exudative vitreoretinopathy, autosomal dominant. Identifiers: Orphanet 891, Orphanet 90050, MedGen C1851402, MONDO:0007589, OMIM 133780.

Allele frequency attached by ClinVar (database versions not stated): 1000 Genomes Project 30x 0.00328; 1000 Genomes Project 0.00339; gnomAD 0.00374 and 0.00396; TOPMed 0.00417.

Submission:

Illumina Laboratory Services, Illumina
Classification: Benign for Exudative vitreoretinopathy 1. Last evaluated: 2018-01-13. Review status: criteria provided, single submitter. Criteria: ICSL Variant Classification Criteria 13 December 2019. Collection method: clinical testing. Allele origin: germline.
Comment: This variant was observed in the ICSL laboratory as part of a predisposition screen in an ostensibly healthy population. It had not been previously curated by ICSL or reported in the Human Gene Mutation Database (HGMD: prior to June 1st, 2018), and was therefore a candidate for classification through an automated scoring system. Utilizing variant allele frequency, disease prevalence and penetrance estimates, and inheritance mode, an automated score was calculated to assess if this variant is too frequent to cause the disease. Based on the score and internal cut-off values, a variant classified as benign is not then subjected to further curation. The score for this variant resulted in a classification of benign for this disease.

NM_012193.4(FZD4):c.*947G>A

Genes: PRSS23 (serine protease 23; plus strand), FZD4 (frizzled class receptor 4; minus strand). Cytogenetic location: 11q14.2.
Variant type: single nucleotide variant.
Coding change: c.*947G>A on transcript NM_012193.4 (MANE Select); 947 bases downstream of the stop codon, G replaced by A.
Molecular consequence: 3 prime UTR variant.
Genome position (GRCh38, 1-based): chr11:86,950,195, C>T on the plus strand (G>A on the coding strand, the complement: FZD4 is on the minus strand). VCF-style: chr11-86950195-C-T. GRCh37 (hg19) VCF-style: chr11-86661237-C-T.
Identifiers: ClinVar variation 306388 (VCV000306388.5), dbSNP rs141895567, ClinGen allele CA10640439.